The following is an entry in ClinVar:

NM_003705.5(SLC25A12):c.549T>G (p.Ser183Arg)

Gene: SLC25A12 (solute carrier family 25 member 12; minus strand). Cytogenetic location: 2q31.1.
Variant type: single nucleotide variant.
Coding change: c.549T>G on transcript NM_003705.5 (MANE Select); coding-DNA position 549, T replaced by G.
Protein change: p.Ser183Arg; replaces serine 183 with arginine.
Molecular consequence: missense variant. On other transcripts: non-coding transcript variant (1).
Genome position (GRCh38, 1-based): chr2:171,837,184, A>C on the plus strand (T>G on the coding strand, the complement: SLC25A12 is on the minus strand). VCF-style: chr2-171837184-A-C. GRCh37 (hg19) VCF-style: chr2-172693694-A-C.
Other names: short protein forms S183R.
Identifiers: ClinVar variation 1388569 (VCV001388569.6), dbSNP rs2105888894, ClinGen allele CA349623522.

ClinVar aggregate classification (germline): Uncertain significance (1 of 4 stars; one submission).

Submission:

Labcorp Genetics (formerly Invitae), Labcorp
Classification: Uncertain significance. Last evaluated: 2025-02-17. Review status: criteria provided, single submitter. Criteria: Invitae Variant Classification Sherloc (09022015). Collection method: clinical testing. Allele origin: germline.
Comment: This sequence change replaces serine, which is neutral and polar, with arginine, which is basic and polar, at codon 183 of the SLC25A12 protein (p.Ser183Arg). This variant is not present in population databases (gnomAD no frequency). This variant has not been reported in the literature in individuals affected with SLC25A12-related conditions. ClinVar contains an entry for this variant (Variation ID: 1388569). An algorithm developed to predict the effect of missense changes on protein structure and function (PolyPhen-2) suggests that this variant is likely to be tolerated. In summary, the available evidence is currently insufficient to determine the role of this variant in disease. Therefore, it has been classified as a Variant of Uncertain Significance.